The following is an entry in ClinVar:

NM_004380.3(CREBBP):c.3647A>C (p.Lys1216Thr)

Gene: CREBBP (CREB binding lysine acetyltransferase; minus strand). Cytogenetic location: 16p13.3.
Variant type: single nucleotide variant.
Coding change: c.3647A>C on transcript NM_004380.3 (MANE Select); coding-DNA position 3647, A replaced by C.
Protein change: p.Lys1216Thr; replaces lysine 1216 with threonine.
Molecular consequence: missense variant.
Genome position (GRCh38, 1-based): chr16:3,757,339, T>G on the plus strand (A>C on the coding strand, the complement: CREBBP is on the minus strand). VCF-style: chr16-3757339-T-G. GRCh37 (hg19) VCF-style: chr16-3807340-T-G.
Other names: c.3533A>C, p.Lys1178Thr (NM_001079846.1); short protein forms K1178T, K1216T.
Identifiers: ClinVar variation 3682531 (VCV003682531.2).

ClinVar aggregate classification (germline): Uncertain significance (1 of 4 stars; one submission).

Conditions:
Rubinstein-Taybi syndrome (RSTS). Identifiers: Orphanet 783, MedGen C0035934, MONDO:0019188.

Submission:

Labcorp Genetics (formerly Invitae), Labcorp
Classification: Uncertain significance for Rubinstein-Taybi syndrome. Last evaluated: 2024-04-05. Review status: criteria provided, single submitter. Criteria: Invitae Variant Classification Sherloc (09022015). Collection method: clinical testing. Allele origin: germline.
Comment: This sequence change replaces lysine, which is basic and polar, with threonine, which is neutral and polar, at codon 1216 of the CREBBP protein (p.Lys1216Thr). This variant is not present in population databases (gnomAD no frequency). This variant has not been reported in the literature in individuals affected with CREBBP-related conditions. Advanced modeling of protein sequence and biophysical properties (such as structural, functional, and spatial information, amino acid conservation, physicochemical variation, residue mobility, and thermodynamic stability) performed at Invitae indicates that this missense variant is expected to disrupt CREBBP protein function with a positive predictive value of 95%. In summary, the available evidence is currently insufficient to determine the role of this variant in disease. Therefore, it has been classified as a Variant of Uncertain Significance.